The following is an entry in ClinVar:

ClinVar aggregate classification (germline): Pathogenic (1 of 4 stars; one submission).

Conditions:
Holocarboxylase synthetase deficiency. Also called: MULTIPLE CARBOXYLASE DEFICIENCY, EARLY ONSET. Identifiers: Orphanet 79242, MedGen C0268581, MONDO:0009666, OMIM 253270.

Submission:

Labcorp Genetics (formerly Invitae), Labcorp
Classification: Pathogenic for Holocarboxylase synthetase deficiency. Last evaluated: 2023-05-13. Review status: criteria provided, single submitter. Criteria: Invitae Variant Classification Sherloc (09022015). Collection method: clinical testing. Allele origin: unknown.
Comment: For these reasons, this variant has been classified as Pathogenic. This variant disrupts a region of the HLCS protein in which other variant(s) (p.Asp634Asn) have been determined to be pathogenic (PMID: 12633764, 17274881). This suggests that this is a clinically significant region of the protein, and that variants that disrupt it are likely to be disease-causing. This variant has not been reported in the literature in individuals affected with HLCS-related conditions. This variant is a gross deletion of the genomic region encompassing exon(s) 8-11 of the HLCS gene. This variant would be expected to be in-frame, preserving the integrity of the reading frame.

Literature cited by the submitters: PubMed 12633764; PubMed 17274881.

NC_000021.8:g.(?_38128823)_(38139606_?)del

Gene: HLCS (holocarboxylase synthetase; minus strand). Cytogenetic location: 21q22.13.
Variant type: Deletion.
Identifiers: ClinVar variation 3248146 (VCV003248146.1).